The following is an entry in ClinVar:

ClinVar aggregate classification (germline): Likely pathogenic. Review status: criteria provided, multiple submitters, no conflicts (2 of 4 stars). 2 submissions from 2 submitters: Likely pathogenic (2). Last evaluated 2023-10-14.

Conditions:
Microcephalic osteodysplastic primordial dwarfism type II (MOPD2). Also called: Microcephalic osteodysplastic primordial dwarfism with tooth abnormalities; MOPD II; OSTEODYSPLASTIC PRIMORDIAL DWARFISM, TYPE II. Identifiers: Orphanet 2637, MedGen C0432246, MONDO:0008872, OMIM 210720.

Submissions (2):

Labcorp Genetics (formerly Invitae), Labcorp
Classification: Likely pathogenic. Last evaluated: 2023-10-14. Review status: criteria provided, single submitter. Criteria: Invitae Variant Classification Sherloc (09022015). Collection method: clinical testing. Allele origin: germline.
Comment: This variant results in the deletion of part of exon 14 (c.2155-21_2186del) of the PCNT gene. It is expected to disrupt RNA splicing. Variants that disrupt the donor or acceptor splice site typically lead to a loss of protein function (PMID: 16199547), and loss-of-function variants in PCNT are known to be pathogenic (PMID: 18174396, 22821869). This variant is present in population databases (no rsID available, gnomAD 0.0009%). This variant has not been reported in the literature in individuals affected with PCNT-related conditions. ClinVar contains an entry for this variant (Variation ID: 436259). In summary, the currently available evidence indicates that the variant is pathogenic, but additional data are needed to prove that conclusively. Therefore, this variant has been classified as Likely Pathogenic.

Genetic Services Laboratory, University of Chicago
Classification: Likely pathogenic for Microcephalic osteodysplastic primordial dwarfism, type II. Last evaluated: 2016-12-08. Review status: criteria provided, single submitter. Criteria: ACMG Guidelines, 2015. Collection method: clinical testing. Allele origin: germline. Affected: yes.

Literature cited by the submitters: PubMed 16199547 (cited by Labcorp Genetics (formerly Invitae), Labcorp); PubMed 18174396 (cited by Labcorp Genetics (formerly Invitae), Labcorp); PubMed 22821869 (cited by Labcorp Genetics (formerly Invitae), Labcorp).

NM_006031.6(PCNT):c.2155-21_2186del

Gene: PCNT (pericentrin; plus strand). Cytogenetic location: 21q22.3.
Variant type: Deletion.
Coding change: c.2155-21_2186del on transcript NM_006031.6 (MANE Select); 21 bases into the intron before coding-DNA position 2155 through coding-DNA position 2186, 53 bases deleted.
Molecular consequence: splice acceptor variant.
Genome position (GRCh38, 1-based): chr21:46,363,459-46,363,511, 53 bases deleted. GRCh37 (hg19): chr21:47,783,374-47,783,426.
Other names: c.1801-21_1832del (NM_001315529.2).
Identifiers: ClinVar variation 436259 (VCV000436259.10), dbSNP rs1555959737, ClinGen allele CA10078912.